The following is an entry in ClinVar:

NM_032608.7(MYO18B):c.5423A>G (p.His1808Arg)

Gene: MYO18B (myosin XVIIIB; plus strand). Cytogenetic location: 22q12.1.
Variant type: single nucleotide variant.
Coding change: c.5423A>G on transcript NM_032608.7 (MANE Select); coding-DNA position 5423, A replaced by G.
Protein change: p.His1808Arg; replaces histidine 1808 with arginine.
Molecular consequence: missense variant.
Genome position (GRCh38, 1-based): chr22:25,921,315, A>G. VCF-style: chr22-25921315-A-G. GRCh37 (hg19) VCF-style: chr22-26317282-A-G.
Other names: c.5426A>G, p.His1809Arg (NM_001318245.2); short protein forms H1808R, H1809R.
Identifiers: ClinVar variation 3624389 (VCV003624389.2).
Genomic context (GRCh38, chr22:25,921,315, plus strand): 5'-AGATTGGCCATCGGGACTTTGATGTGGAGAAGCGACTTCGGAGAGACCTCAGGAGGACAC[A>G]TGCACTGTTGTCAGACGTGCAGCTCCTTCTGGGCACCATGGAGGATGGCAAGACATCAGT-3'
Protein context (NP_115997.5, residues 1798-1818): KRLRRDLRRT[His1808Arg]ALLSDVQLLL

ClinVar aggregate classification (germline): Uncertain significance (1 of 4 stars; one submission).

gnomAD v4.1: 35 of 1,567,448 alleles (0.0022%); highest among the groups gnomAD compares: Middle Eastern, 0.017%; no homozygotes.

Submission:

Labcorp Genetics (formerly Invitae), Labcorp
Classification: Uncertain significance. Last evaluated: 2024-02-29. Review status: criteria provided, single submitter. Criteria: Invitae Variant Classification Sherloc (09022015). Collection method: clinical testing. Allele origin: germline.
Comment: This sequence change replaces histidine, which is basic and polar, with arginine, which is basic and polar, at codon 1808 of the MYO18B protein (p.His1808Arg). The frequency data for this variant in the population databases is considered unreliable, as metrics indicate poor data quality at this position in the gnomAD database. This variant has not been reported in the literature in individuals affected with MYO18B-related conditions. An algorithm developed to predict the effect of missense changes on protein structure and function (PolyPhen-2) suggests that this variant is likely to be tolerated. In summary, the available evidence is currently insufficient to determine the role of this variant in disease. Therefore, it has been classified as a Variant of Uncertain Significance.